The following is an entry in ClinVar:

ClinVar aggregate classification (germline): Uncertain significance (1 of 4 stars; one submission).

Conditions:
Autosomal dominant limb-girdle muscular dystrophy type 1G (LGMDD3). Also called: Limb-girdle muscular dystrophy, type 1G; MUSCULAR DYSTROPHY, LIMB-GIRDLE, AUTOSOMAL DOMINANT 3. Identifiers: Orphanet 55596, MedGen C1836765, MONDO:0012193, OMIM 609115.

Submission:

Labcorp Genetics (formerly Invitae), Labcorp
Classification: Uncertain significance for Autosomal dominant limb-girdle muscular dystrophy type 1G. Last evaluated: 2024-09-17. Review status: criteria provided, single submitter. Criteria: Invitae Variant Classification Sherloc (09022015). Collection method: clinical testing. Allele origin: germline.
Comment: This sequence change replaces arginine, which is basic and polar, with serine, which is neutral and polar, at codon 109 of the HNRNPDL protein (p.Arg109Ser). This variant is not present in population databases (gnomAD no frequency). This variant has not been reported in the literature in individuals affected with HNRNPDL-related conditions. An algorithm developed to predict the effect of missense changes on protein structure and function (PolyPhen-2) suggests that this variant is likely to be tolerated. In summary, the available evidence is currently insufficient to determine the role of this variant in disease. Therefore, it has been classified as a Variant of Uncertain Significance.

NM_031372.4(HNRNPDL):c.325C>A (p.Arg109Ser)

Gene: HNRNPDL (heterogeneous nuclear ribonucleoprotein D like; minus strand). Cytogenetic location: 4q21.22.
Variant type: single nucleotide variant.
Coding change: c.325C>A on transcript NM_031372.4 (MANE Select); coding-DNA position 325, C replaced by A.
Protein change: p.Arg109Ser; replaces arginine 109 with serine.
Molecular consequence: missense variant. On other transcripts: non-coding transcript variant (1).
Genome position (GRCh38, 1-based): chr4:82,429,366, G>T on the plus strand (C>A on the coding strand, the complement: HNRNPDL is on the minus strand). VCF-style: chr4-82429366-G-T. GRCh37 (hg19) VCF-style: chr4-83350519-G-T.
Other names: c.325C>A, p.Arg109Ser (NM_001207000.1); short protein forms R109S.
Identifiers: ClinVar variation 3717771 (VCV003717771.2).